The following is an entry in ClinVar:

NM_014254.3(RXYLT1):c.681A>G (p.Ile227Met)

Gene: RXYLT1 (ribitol xylosyltransferase 1; plus strand). Cytogenetic location: 12q14.2.
Variant type: single nucleotide variant.
Coding change: c.681A>G on transcript NM_014254.3 (MANE Select); coding-DNA position 681, A replaced by G.
Protein change: p.Ile227Met; replaces isoleucine 227 with methionine.
Molecular consequence: missense variant. On other transcripts: 5 prime UTR variant (1).
Genome position (GRCh38, 1-based): chr12:63,802,343, A>G. VCF-style: chr12-63802343-A-G. GRCh37 (hg19) VCF-style: chr12-64196123-A-G.
Other names: c.-100A>G (NM_001278237.2); c.681A>G (NM_014254.1); short protein forms I227M.
Identifiers: ClinVar variation 1345720 (VCV001345720.6), dbSNP rs766660116, ClinGen allele CA6666145.

ClinVar aggregate classification (germline): Uncertain significance. Review status: criteria provided, multiple submitters, no conflicts (2 of 4 stars). 2 submissions from 2 submitters: Uncertain significance (2). Last evaluated 2025-05-19.

Conditions:
Inborn genetic diseases. Identifiers: MedGen C0950123, MeSH D030342.

Allele frequency attached by ClinVar (database versions not stated): gnomAD 0.00001; gnomAD exomes 0.00001 and 0.00003; TOPMed 0.00004; ExAC 0.00004.
gnomAD v4.1: 9 of 1,609,740 alleles (0.00056%); highest among the groups gnomAD compares: Middle Eastern, 0.016%; no homozygotes.

Submissions (2):

Ambry Genetics
Classification: Uncertain significance for Inborn genetic diseases. Last evaluated: 2025-05-19. Review status: criteria provided, single submitter. Criteria: Ambry Variant Classification Scheme 2023. Collection method: clinical testing. Allele origin: germline.

Labcorp Genetics (formerly Invitae), Labcorp
Classification: Uncertain significance. Last evaluated: 2022-07-06. Review status: criteria provided, single submitter. Criteria: Invitae Variant Classification Sherloc (09022015). Collection method: clinical testing. Allele origin: germline.
Comment: This sequence change replaces isoleucine, which is neutral and non-polar, with methionine, which is neutral and non-polar, at codon 227 of the RXYLT1 protein (p.Ile227Met). This variant is present in population databases (rs766660116, gnomAD 0.05%). This variant has not been reported in the literature in individuals affected with RXYLT1-related conditions. ClinVar contains an entry for this variant (Variation ID: 1345720). Algorithms developed to predict the effect of missense changes on protein structure and function (SIFT, PolyPhen-2, Align-GVGD) all suggest that this variant is likely to be tolerated. In summary, the available evidence is currently insufficient to determine the role of this variant in disease. Therefore, it has been classified as a Variant of Uncertain Significance.